The following is an entry in ClinVar:

ClinVar aggregate classification (germline): Uncertain significance (1 of 4 stars; one submission).

Allele frequency attached by ClinVar (database versions not stated): gnomAD exomes 0.00001; ExAC 0.00003.

Submission:

Labcorp Genetics (formerly Invitae), Labcorp
Classification: Uncertain significance. Last evaluated: 2022-04-07. Review status: criteria provided, single submitter. Criteria: Invitae Variant Classification Sherloc (09022015). Collection method: clinical testing. Allele origin: germline.
Comment: In summary, the available evidence is currently insufficient to determine the role of this variant in disease. Therefore, it has been classified as a Variant of Uncertain Significance. Algorithms developed to predict the effect of missense changes on protein structure and function (SIFT, PolyPhen-2, Align-GVGD) all suggest that this variant is likely to be disruptive. This variant has not been reported in the literature in individuals affected with ISCA1-related conditions. This variant is present in population databases (rs772282632, gnomAD 0.009%). This sequence change replaces leucine, which is neutral and non-polar, with serine, which is neutral and polar, at codon 106 of the ISCA1 protein (p.Leu106Ser).

NM_030940.4(ISCA1):c.317T>C (p.Leu106Ser)

Gene: ISCA1 (iron-sulfur cluster assembly 1; minus strand). Cytogenetic location: 9q21.33.
Variant type: single nucleotide variant.
Coding change: c.317T>C on transcript NM_030940.4 (MANE Select); coding-DNA position 317, T replaced by C.
Protein change: p.Leu106Ser; replaces leucine 106 with serine.
Molecular consequence: missense variant.
Genome position (GRCh38, 1-based): chr9:86,266,116, A>G on the plus strand (T>C on the coding strand, the complement: ISCA1 is on the minus strand). VCF-style: chr9-86266116-A-G. GRCh37 (hg19) VCF-style: chr9-88881031-A-G.
Other names: short protein forms L106S.
Identifiers: ClinVar variation 1959344 (VCV001959344.5), dbSNP rs772282632, ClinGen allele CA5108226.